The following is an entry in ClinVar:

NM_014363.6(SACS):c.11624G>A (p.Arg3875His)

Gene: SACS (sacsin molecular chaperone; minus strand). Cytogenetic location: 13q12.12.
Variant type: single nucleotide variant.
Coding change: c.11624G>A on transcript NM_014363.6 (MANE Select); coding-DNA position 11624, G replaced by A.
Protein change: p.Arg3875His; replaces arginine 3875 with histidine.
Molecular consequence: missense variant.
Genome position (GRCh38, 1-based): chr13:23,332,252, C>T on the plus strand (G>A on the coding strand, the complement: SACS is on the minus strand). VCF-style: chr13-23332252-C-T. GRCh37 (hg19) VCF-style: chr13-23906391-C-T.
Other names: c.11624G>A (NM_014363.5); c.11183G>A, p.Arg3728His (NM_001278055.2); short protein forms R3875H, R3728H.
Identifiers: ClinVar variation 242492 (VCV000242492.11), dbSNP rs863224916, ClinGen allele CA351289.

ClinVar aggregate classification (germline): Conflicting classifications of pathogenicity. Review status: criteria provided, conflicting classifications (1 of 4 stars). 6 submissions from 6 submitters: Likely pathogenic (3); Uncertain significance (3). Last evaluated 2025-02-03.

Conditions:
Hereditary spastic paraplegia. Also called: Familial spastic paraparesis. Identifiers: Orphanet 685, MedGen C0037773, MONDO:0019064. Disease mechanism: loss of function.
Charlevoix-Saguenay spastic ataxia (SACS). Also called: SPASTIC ATAXIA 6, AUTOSOMAL RECESSIVE; Spastic ataxia of Charlevoix-Saguenay; AUTOSOMAL RECESSIVE SPASTIC ATAXIA OF CHARLEVOIX-SAGUENAY. Identifiers: Orphanet 98, MedGen C1849140, MONDO:0010041, OMIM 270550.

Allele frequency attached by ClinVar (database versions not stated): gnomAD 0.00001; TOPMed 0.00002.

Submissions (6):

Women's Health and Genetics/Laboratory Corporation of America, LabCorp
Classification: Uncertain significance. Last evaluated: 2025-02-03. Review status: criteria provided, single submitter. Criteria: LabCorp Variant Classification Summary - May 2015. Collection method: clinical testing. Allele origin: germline.
Comment: Variant summary: SACS c.11624G>A (p.Arg3875His) results in a non-conservative amino acid change in the encoded protein sequence. Four of four in-silico tools predict a damaging effect of the variant on protein function. The variant was absent in 250438 control chromosomes. The available data on variant occurrences in the general population are insufficient to allow any conclusion about variant significance. c.11624G>A has been reported in the compound heterozygous and multiply heterozygous states in the literature in at least 2 individuals affected with Autosomal Recessive Spastic Ataxia Of Charlevoix-Saguenay (example, Lee_2014, Synofzik_2013). These data do not allow any conclusion about variant significance. To our knowledge, no experimental evidence demonstrating an impact on protein function has been reported. The following publications have been ascertained in the context of this evaluation (PMID: 25326637, 23497566). ClinVar contains an entry for this variant (Variation ID: 242492). Based on the evidence outlined above, the variant was classified as uncertain significance.

Baylor Genetics
Classification: Likely pathogenic for Charlevoix-Saguenay spastic ataxia. Last evaluated: 2023-11-16. Review status: criteria provided, single submitter. Criteria: ACMG Guidelines, 2015. Collection method: clinical testing. Allele origin: unknown.

Blueprint Genetics
Classification: Uncertain significance. Last evaluated: 2023-06-21. Review status: criteria provided, single submitter. Criteria: ACMG Guidelines, 2015. Collection method: clinical testing. Allele origin: germline.

GeneDx
Classification: Uncertain significance. Last evaluated: 2022-04-16. Review status: criteria provided, single submitter. Criteria: GeneDx Variant Classification Process June 2021. Collection method: clinical testing. Allele origin: germline. Affected: yes.
Comment: Reported in a patient with early onset ataxia who also harbors another variant in the SACS gene (Synofzik et al., 2013); In silico analysis supports that this missense variant does not alter protein structure/function; Not observed at significant frequency in large population cohorts (gnomAD); This variant is associated with the following publications: (PMID: 23497566)

Genome Diagnostics Laboratory, The Hospital for Sick Children
Classification: Likely pathogenic for Hereditary spastic paraplegia. Last evaluated: 2017-07-12. Review status: criteria provided, single submitter. Criteria: ACMG Guidelines, 2015. Collection method: clinical testing. Allele origin: germline. Affected: yes.

Genomic Diagnostics Laboratory, National Institute of Medical Genomics
Classification: Likely pathogenic for Charlevoix-Saguenay spastic ataxia. Last evaluated: 2016-01-01. Review status: criteria provided, single submitter. Criteria: ACMG Guidelines, 2015. Collection method: clinical testing. Allele origin: germline. Affected: yes. Observed: 1 variant allele.

Literature cited by the submitters: PubMed 25326637 (cited by Women's Health and Genetics/Laboratory Corporation of America, LabCorp); PubMed 23497566 (cited by Women's Health and Genetics/Laboratory Corporation of America, LabCorp).